The following is an entry in ClinVar:

NM_017934.7(PHIP):c.1687C>T (p.Arg563Trp)

Gene: PHIP (PHIP subunit of CUL4-Ring ligase complex; minus strand). Cytogenetic location: 6q14.1.
Variant type: single nucleotide variant.
Coding change: c.1687C>T on transcript NM_017934.7 (MANE Select); coding-DNA position 1687, C replaced by T.
Protein change: p.Arg563Trp; replaces arginine 563 with tryptophan.
Molecular consequence: missense variant.
Genome position (GRCh38, 1-based): chr6:79,002,091, G>A on the plus strand (C>T on the coding strand, the complement: PHIP is on the minus strand). VCF-style: chr6-79002091-G-A. GRCh37 (hg19) VCF-style: chr6-79711808-G-A.
Other names: c.1687C>T (NM_017934.5); short protein forms R563W.
Identifiers: ClinVar variation 4987025 (VCV004987025.2).

ClinVar aggregate classification (germline): Uncertain significance. Review status: criteria provided, multiple submitters, no conflicts (2 of 4 stars). 2 submissions from 2 submitters: Uncertain significance (2). Last evaluated 2026-06-24.

Conditions:
Inborn genetic diseases. Identifiers: MedGen C0950123, MeSH D030342.
PHIP-related disorder. Also called: PHIP-related condition; PHIP-related disorders.

gnomAD v4.1: 2 of 1,612,658 alleles (0.00012%); highest among the groups gnomAD compares: Non-Finnish European, 0.00017%; no homozygotes.

Submissions (2):

Ambry Genetics
Classification: Uncertain significance for Inborn genetic diseases. Last evaluated: 2026-06-24. Review status: criteria provided, single submitter. Criteria: Ambry Variant Classification Scheme 2023. Collection method: clinical testing. Allele origin: germline.
Comment: The c.1687C>T (p.R563W) alteration is located in exon 17 (coding exon 17) of the PHIP gene. This alteration results from a C to T substitution at nucleotide position 1687, causing the arginine (R) at amino acid position 563 to be replaced by a tryptophan (W). Based on data from gnomAD, the T allele has an overall frequency of <0.001% (0/250918) total alleles studied. The highest observed frequency was <0.001% (/) of alleles. Based on insufficient or conflicting evidence, the clinical significance of this alteration remains unclear.

PreventionGenetics, part of Exact Sciences
Classification: Uncertain significance for PHIP-related condition. Last evaluated: 2025-01-09. Review status: criteria provided, single submitter. Criteria: ACMG Guidelines, 2015. Collection method: clinical testing. Allele origin: germline.
Comment: The PHIP c.1687C>T variant is predicted to result in the amino acid substitution p.Arg563Trp. To our knowledge, this variant has not been reported in the literature or in a large population database (gnomAD), indicating it is rare. At this time, the clinical significance of this variant is uncertain due to the absence of conclusive functional and genetic evidence.